The following is an entry in ClinVar:

ClinVar aggregate classification (germline): Likely benign (1 of 4 stars; one submission).

Allele frequency attached by ClinVar (database versions not stated): ESP Exome Variant Server 0.00008; ExAC 0.00010; gnomAD 0.00012; gnomAD exomes 0.00012; TOPMed 0.00012.
gnomAD v4.1: 194 of 1,600,994 alleles (0.012%); highest among the groups gnomAD compares: Middle Eastern, 0.017%; no homozygotes.

Submission:

CeGaT Center for Human Genetics Tuebingen
Classification: Likely benign. Last evaluated: 2024-04-01. Review status: criteria provided, single submitter. Criteria: CeGaT Center For Human Genetics Tuebingen Variant Classification Criteria Version 2. Collection method: clinical testing. Allele origin: germline. Affected: yes. Observed: 1 variant allele.
Comment: EP400: BP4, BP7

NM_015409.5(EP400):c.4527C>T (p.Ala1509=)

Gene: EP400 (E1A binding protein p400; plus strand). Cytogenetic location: 12q24.33.
Variant type: single nucleotide variant.
Coding change: c.4527C>T on transcript NM_015409.5 (MANE Select); coding-DNA position 4527, C replaced by T.
Protein change: p.Ala1509=; no amino-acid change (alanine 1509 retained).
Molecular consequence: synonymous variant.
Genome position (GRCh38, 1-based): chr12:132,021,158, C>T. VCF-style: chr12-132021158-C-T. GRCh37 (hg19) VCF-style: chr12-132505703-C-T.
Identifiers: ClinVar variation 3234300 (VCV003234300.20), dbSNP rs375045530, ClinGen allele CA6885744.
Genomic context (GRCh38, chr12:132,021,158, plus strand): 5'-GACCTCTCAGGCTTCCGCCAGTGCTCCACGACACCAGCCCGCCTCGGCCTCCAGCACAGC[C>T]GCTAGCCCGGCCCATCCTGCGAAACTGCGGGCCCAGACCACAGCACAGGCCTCCACCCCA-3'
Protein context (NP_056224.3, residues 1499-1519): RHQPASASST[Ala1509=]ASPAHPAKLR